The following is an entry in ClinVar:

NM_001035.3(RYR2):c.295-107A>G

Gene: RYR2 (ryanodine receptor 2; plus strand). Cytogenetic location: 1q43.
Variant type: single nucleotide variant.
Coding change: c.295-107A>G on transcript NM_001035.3 (MANE Select); 107 bases into the intron before coding-DNA position 295, A replaced by G.
Molecular consequence: intron variant.
Genome position (GRCh38, 1-based): chr1:237,364,251, A>G. VCF-style: chr1-237364251-A-G. GRCh37 (hg19) VCF-style: chr1-237527551-A-G.
Identifiers: ClinVar variation 671744 (VCV000671744.2), dbSNP rs114016617, ClinGen allele CA40011938.

ClinVar aggregate classification (germline): Likely benign. Review status: criteria provided, multiple submitters, no conflicts (2 of 4 stars). 2 submissions from 2 submitters: Likely benign (2). Last evaluated 2018-06-14.

Allele frequency attached by ClinVar (database versions not stated): 1000 Genomes Project 0.01038; gnomAD 0.01266 and 0.01339; TOPMed 0.01289; gnomAD exomes 0.01849.
gnomAD v4.1: 16,513 of 936,916 alleles (1.8%); highest among the groups gnomAD compares: South Asian, 3%; 193 homozygotes.

Submissions (2):

GeneDx
Classification: Likely benign. Last evaluated: 2018-06-14. Review status: criteria provided, single submitter. Criteria: GeneDx Variant Classification (06012015). Collection method: clinical testing. Allele origin: germline. Affected: yes.
Comment: This variant is considered likely benign or benign based on one or more of the following criteria: it is a conservative change, it occurs at a poorly conserved position in the protein, it is predicted to be benign by multiple in silico algorithms, and/or has population frequency not consistent with disease.

Breakthrough Genomics
Classification: Likely benign. Review status: criteria provided, single submitter. Criteria: ACMG Guidelines, 2015. Collection method: not provided. Allele origin: germline. Inheritance: Autosomal dominant inheritance. Affected: yes.